The following is an entry in ClinVar:

ClinVar aggregate classification (germline): Pathogenic/Likely pathogenic. Review status: criteria provided, multiple submitters, no conflicts (2 of 4 stars). 2 submissions from 2 submitters: Pathogenic (1); Likely pathogenic (1). Last evaluated 2025-03-30.

Conditions:
Gorlin syndrome. Also called: Basal cell nevus syndrome; Nevoid Basal Cell Carcinoma Syndrome. Identifiers: Orphanet 377, MedGen C0004779, MONDO:0007187.

Submissions (2):

Labcorp Genetics (formerly Invitae), Labcorp
Classification: Likely pathogenic for Gorlin syndrome. Last evaluated: 2025-03-30. Review status: criteria provided, single submitter. Criteria: Invitae Variant Classification Sherloc (09022015). Collection method: clinical testing. Allele origin: germline.
Comment: This sequence change affects an acceptor splice site in intron 7 of the PTCH1 gene. It is expected to disrupt RNA splicing. Variants that disrupt the donor or acceptor splice site typically lead to a loss of protein function (PMID: 16199547), and loss-of-function variants in PTCH1 are known to be pathogenic (PMID: 16301862, 16419085). This variant is not present in population databases (gnomAD no frequency). Disruption of this splice site has been observed in individual(s) with Gorlin syndrome (internal data). ClinVar contains an entry for this variant (Variation ID: 426701). Algorithms developed to predict the effect of sequence changes on RNA splicing suggest that this variant may disrupt the consensus splice site. In summary, the currently available evidence indicates that the variant is pathogenic, but additional data are needed to prove that conclusively. Therefore, this variant has been classified as Likely Pathogenic.

GeneDx
Classification: Pathogenic. Last evaluated: 2017-04-06. Review status: criteria provided, single submitter. Criteria: GeneDx Variant Classification (06012015). Collection method: clinical testing. Allele origin: germline. Affected: yes.
Comment: The c.1068-1G>A variant in the PTCH1 gene has not been reported previously as a pathogenic variant nor as a benign variant, to our knowledge. This splice site variant is predicted to destroy the natural splice acceptor site in intron 7. It is predicted to cause abnormal gene splicing, either leading to an abnormal message that is subject to nonsense-mediated mRNA decay, or to an abnormal protein product if the message is used for protein translation. The c.1068-1G>A variant is not observed in large population cohorts (Lek et al., 2016; 1000 Genomes Consortium et al., 2015; Exome Variant Server). We interpret c.1068-1G>A as a pathogenic variant.

Literature cited by the submitters: PubMed 16199547 (cited by Labcorp Genetics (formerly Invitae), Labcorp); PubMed 16301862 (cited by Labcorp Genetics (formerly Invitae), Labcorp); PubMed 16419085 (cited by Labcorp Genetics (formerly Invitae), Labcorp).

NM_000264.5(PTCH1):c.1068-1G>A

Gene: PTCH1 (patched 1; minus strand). Cytogenetic location: 9q22.32.
Variant type: single nucleotide variant.
Coding change: c.1068-1G>A on transcript NM_000264.5 (MANE Select); the canonical splice acceptor site of the intron before coding-DNA position 1068, G replaced by A.
Molecular consequence: splice acceptor variant.
Genome position (GRCh38, 1-based): chr9:95,479,148, C>T on the plus strand (G>A on the coding strand, the complement: PTCH1 is on the minus strand). VCF-style: chr9-95479148-C-T. GRCh37 (hg19) VCF-style: chr9-98241430-C-T.
Other names: c.1065-1G>A (NM_001083603.3); c.870-1G>A (NM_001083602.3); c.1068-1G>A (NM_001354918.2); c.615-1G>A (NM_001083605.3, NM_001083604.3, NM_001083606.3 and 1 more transcripts).
Identifiers: ClinVar variation 426701 (VCV000426701.3), dbSNP rs1085307752, ClinGen allele CA374119545.
Genomic context (GRCh38, chr9:95,479,148, plus strand): 5'-AAGTGCTCGTACATTTGCTTGGGAGTCATTAACTGGAACATGGTCTGCAGGGCATGGGCG[C>T]TGCAGCACAGTCCAAGGGAAGGCACATCATCAGTATTCCCAGGAAGCAGTTTCCACTGCC-3'